The following is an entry in ClinVar:

ClinVar aggregate classification (germline): Pathogenic (1 of 4 stars; one submission).

Conditions:
Familial dysautonomia. Also called: HSAN III; FD. Identifiers: Orphanet 1764, MedGen C0013364, MONDO:0009131, OMIM 223900. Disease mechanism: loss of function.

Submission:

Myriad Genetics, Inc.
Classification: Pathogenic for Familial dysautonomia. Last evaluated: 2023-09-02. Review status: criteria provided, single submitter. Criteria: Myriad Autosomal Dominant, Autosomal Recessive and X-Linked Classification Criteria (2023). Collection method: clinical testing. Allele origin: unknown.
Comment: NM_003640.3(ELP1):c.1562_1574del13(E521Gfs*7) is expected to be pathogenic in the context of familial dysautonomia. This variant is predicted to lead to an abnormal or absent protein product due to the creation of a premature termination codon in ELP1, a gene where loss-of-function variants are known to be pathogenic. Please note: this variant was assessed in the context of healthy population screening.

NM_003640.5(ELP1):c.1562_1574del (p.Glu521fs)

Gene: ELP1 (elongator acetyltransferase complex subunit 1; minus strand). Cytogenetic location: 9q31.3.
Variant type: Deletion.
Coding change: c.1562_1574del on transcript NM_003640.5 (MANE Select); coding-DNA positions 1562 to 1574, 13 bases deleted (AGTTCAGCCCCCG).
Protein change: p.Glu521fs; shifts the reading frame from glutamic acid 521.
Molecular consequence: frameshift variant.
Genome position (GRCh38, 1-based): chr9:108,906,372-108,906,384, CGGGGGCTGAACT deleted on the plus strand (AGTTCAGCCCCCG on the coding strand, the reverse complement: ELP1 is on the minus strand); deleting any 13 consecutive bases within chr9:108,906,372-108,906,385 gives the same sequence; the c. name uses the placement nearest the transcript's 3' end. VCF-style (leftmost placement, unchanged base first): chr9-108906371-CCGGGGGCTGAACT-C. GRCh37 (hg19) VCF-style: chr9-111668651-CCGGGGGCTGAACT-C.
Other names: c.1220_1232del, p.Glu407fs (NM_001318360.2); c.515_527del, p.Glu172fs (NM_001330749.2); short protein forms E172fs, E407fs, E521fs.
Identifiers: ClinVar variation 5011519 (VCV005011519.1).